The following is an entry in ClinVar:

NM_007144.3(PCGF2):c.210-8T>C

Gene: PCGF2 (polycomb group ring finger 2; minus strand). Cytogenetic location: 17q12.
Variant type: single nucleotide variant.
Coding change: c.210-8T>C on transcript NM_007144.3 (MANE Select); 8 bases into the intron before coding-DNA position 210, T replaced by C.
Molecular consequence: intron variant.
Genome position (GRCh38, 1-based): chr17:38,739,261, A>G on the plus strand (T>C on the coding strand, the complement: PCGF2 is on the minus strand). VCF-style: chr17-38739261-A-G. GRCh37 (hg19) VCF-style: chr17-36895514-A-G.
Other names: c.210-8T>C (NM_001369614.1, NM_001369615.1, NM_007144.2).
Identifiers: ClinVar variation 1596792 (VCV001596792.12), dbSNP rs72819704, ClinGen allele CA8525090.

ClinVar aggregate classification (germline): Benign. Review status: criteria provided, multiple submitters, no conflicts (2 of 4 stars). 4 submissions from 4 submitters: Benign (3). 1 of the submissions does not count toward it. Last evaluated 2026-02-04.

Conditions:
PCGF2-related disorder. Also called: PCGF2-related condition.

Allele frequency attached by ClinVar (database versions not stated): TOPMed 0.05623; gnomAD 0.06015 and 0.05977; ExAC 0.06219; ESP Exome Variant Server 0.06535; 1000 Genomes Project 30x 0.03748; 1000 Genomes Project 0.03794; gnomAD exomes 0.06246 and 0.08415.
gnomAD v4.1: 131,308 of 1,612,262 alleles (8.1%); highest among the groups gnomAD compares: Non-Finnish European, 9.4%; 5,981 homozygotes.

Submissions (4):

Labcorp Genetics (formerly Invitae), Labcorp
Classification: Benign. Last evaluated: 2026-02-04. Review status: criteria provided, single submitter. Criteria: Invitae Variant Classification Sherloc (09022015). Collection method: clinical testing. Allele origin: germline.

Mendelics
Classification: Benign. Last evaluated: 2022-05-04. Review status: criteria provided, single submitter. Criteria: Mendelics Assertion Criteria 2019. Collection method: clinical testing. Allele origin: germline.

Breakthrough Genomics
Classification: Benign. Review status: criteria provided, single submitter. Criteria: ACMG Guidelines, 2015. Collection method: not provided. Allele origin: germline. Inheritance: Autosomal dominant inheritance. Affected: yes.

PreventionGenetics, part of Exact Sciences
Classification: Benign for PCGF2-related condition. Last evaluated: 2019-10-30. Review status: no assertion criteria provided. Collection method: clinical testing. Allele origin: germline. Not counted in ClinVar's aggregate classification.
Comment: This variant is classified as benign based on ACMG/AMP sequence variant interpretation guidelines (Richards et al. 2015 PMID: 25741868, with internal and published modifications).